The following is an entry in ClinVar:

ClinVar aggregate classification (germline): Pathogenic (1 of 4 stars; one submission).

Conditions:
Exostoses, multiple, type 2 (EXT2). Also called: EXOSTOSES, MULTIPLE, TYPE II; Hereditary Multiple Osteochondromatosis, Type II. Identifiers: Orphanet 321, MedGen C1851413, MONDO:0007586, OMIM 133701.

Submission:

Labcorp Genetics (formerly Invitae), Labcorp
Classification: Pathogenic for Exostoses, multiple, type 2. Last evaluated: 2020-11-14. Review status: criteria provided, single submitter. Criteria: Invitae Variant Classification Sherloc (09022015). Collection method: clinical testing. Allele origin: germline.
Comment: For these reasons, this variant has been classified as Pathogenic. Algorithms developed to predict the effect of sequence changes on RNA splicing suggest that this variant may disrupt the consensus splice site, but this prediction has not been confirmed by published transcriptional studies. Disruption of this splice site has been observed in individual(s) with multiple osteochondromas (PMID: 15586175). This variant is not present in population databases (ExAC no frequency). This sequence change affects an acceptor splice site in intron 6 of the EXT2 gene. It is expected to disrupt RNA splicing. Variants that disrupt the donor or acceptor splice site typically lead to a loss of protein function (PMID: 16199547), and loss-of-function variants in EXT2 are known to be pathogenic (PMID: 10679937, 19810120).

Literature cited by the submitters: PubMed 15586175; PubMed 16199547; PubMed 10679937; PubMed 19810120.

NM_207122.2(EXT2):c.1080-2del

Gene: EXT2 (exostosin glycosyltransferase 2; plus strand). Cytogenetic location: 11p11.2.
Variant type: Deletion.
Coding change: c.1080-2del on transcript NM_207122.2 (MANE Select); the canonical splice acceptor site of the intron before coding-DNA position 1080, one base deleted (A; older notation c.1080-2delA).
Molecular consequence: splice acceptor variant.
Genome position (GRCh38, 1-based): chr11:44,130,043, A deleted. VCF-style (leftmost placement, unchanged base first): chr11-44130042-CA-C. GRCh37 (hg19) VCF-style: chr11-44151592-CA-C.
Other names: c.1080-2del (NM_001389630.1, NM_001178083.3, NM_001389628.1); c.1179-2del (NM_000401.3).
Identifiers: ClinVar variation 1456787 (VCV001456787.8), dbSNP rs2135029005, ClinGen allele CA2573146317.